The following is an entry in ClinVar:

ClinVar aggregate classification (germline): Pathogenic (1 of 4 stars; one submission).

Conditions:
Myofibrillar myopathy 5. Also called: Filaminopathy (type); FILAMINOPATHY, AUTOSOMAL DOMINANT. Identifiers: Orphanet 171445, MedGen C1836050, MONDO:0012289, OMIM 609524.
Distal myopathy with posterior leg and anterior hand involvement. Also called: WILLIAMS DISTAL MYOPATHY. Identifiers: Orphanet 63273, MedGen C3279722, MONDO:0013550, OMIM 614065.
Hypertrophic cardiomyopathy 26. Also called: Cardiomyopathy, familial hypertrophic, 26. Identifiers: Orphanet 75249, MedGen C4310749, MONDO:0014883, OMIM 617047.

Submission:

Labcorp Genetics (formerly Invitae), Labcorp
Classification: Pathogenic for Distal myopathy with posterior leg and anterior hand involvement; Myofibrillar myopathy 5; Hypertrophic cardiomyopathy 26. Last evaluated: 2024-04-02. Review status: criteria provided, single submitter. Criteria: Invitae Variant Classification Sherloc (09022015). Collection method: clinical testing. Allele origin: germline.
Comment: This sequence change creates a premature translational stop signal (p.Ser1007Leufs*71) in the FLNC gene. It is expected to result in an absent or disrupted protein product. Loss-of-function variants in FLNC are known to be pathogenic (PMID: 27908349). This variant is not present in population databases (gnomAD no frequency). This variant has not been reported in the literature in individuals affected with FLNC-related conditions. ClinVar contains an entry for this variant (Variation ID: 1384710). For these reasons, this variant has been classified as Pathogenic.

Literature cited by the submitters: PubMed 27908349.

NM_001458.5(FLNC):c.3019del (p.Ser1007fs)

Gene: FLNC (filamin C; plus strand). Cytogenetic location: 7q32.1.
Variant type: Deletion.
Coding change: c.3019del on transcript NM_001458.5 (MANE Select); coding-DNA position 3019, one base deleted (T; older notation c.3019delT).
Protein change: p.Ser1007fs; shifts the reading frame from serine 1007.
Molecular consequence: frameshift variant.
Genome position (GRCh38, 1-based): chr7:128,844,093, T deleted. VCF-style (leftmost placement, unchanged base first): chr7-128844092-CT-C. GRCh37 (hg19) VCF-style: chr7-128484146-CT-C.
Other names: c.3019del, p.Ser1007fs (NM_001127487.2); short protein forms S1007fs.
Identifiers: ClinVar variation 1384710 (VCV001384710.6), dbSNP rs2128936173, ClinGen allele CA2573141726.